The following is an entry in ClinVar:

NM_002303.6(LEPR):c.2642G>T (p.Cys881Phe)

Gene: LEPR (leptin receptor; plus strand). Cytogenetic location: 1p31.3.
Variant type: single nucleotide variant.
Coding change: c.2642G>T on transcript NM_002303.6 (MANE Select); coding-DNA position 2642, G replaced by T.
Protein change: p.Cys881Phe; replaces cysteine 881 with phenylalanine.
Molecular consequence: missense variant.
Genome position (GRCh38, 1-based): chr1:65,622,950, G>T. VCF-style: chr1-65622950-G-T. GRCh37 (hg19) VCF-style: chr1-66088633-G-T.
Other names: c.2642G>T, p.Cys881Phe (NM_001003679.3, NM_001003680.3, NM_001198687.2 and 2 more transcripts); short protein forms C881F.
Identifiers: ClinVar variation 1336327 (VCV001336327.6), dbSNP rs992720162, ClinGen allele CA23925764.

ClinVar aggregate classification (germline): Uncertain significance. Review status: criteria provided, single submitter (1 of 4 stars). 2 submissions from 2 submitters: Uncertain significance (1). 1 of the submissions does not count toward it. Last evaluated 2017-10-26.

Conditions:
LEPR-related disorder. Also called: LEPR-related disorders; LEPR-related condition.

Allele frequency attached by ClinVar (database versions not stated): gnomAD exomes below 0.00001.
gnomAD v4.1: 6 of 1,613,946 alleles (0.00037%); no homozygotes.

Submissions (2):

Genetic Services Laboratory, University of Chicago
Classification: Uncertain significance. Last evaluated: 2017-10-26. Review status: criteria provided, single submitter. Criteria: ACMG Guidelines, 2015. Collection method: clinical testing. Allele origin: germline. Affected: no.

PreventionGenetics, part of Exact Sciences
Classification: Likely pathogenic for LEPR-related condition. Last evaluated: 2024-02-02. Review status: no assertion criteria provided. Collection method: clinical testing. Allele origin: germline. Not counted in ClinVar's aggregate classification.
Comment: The LEPR c.2642G>T variant is predicted to result in the amino acid substitution p.Cys881Phe. This variant was observed in a cohort of obese individuals, and in vitro functional studies show strong evidence of loss of function (Supplemental Data Set, Shah et al. 2023. PubMed ID: 36864747). This variant is reported in 0.0099% of alleles in individuals of Ashkenazi Jewish descent in gnomAD. This variant is interpreted as likely pathogenic.